The following is an entry in ClinVar:

ClinVar aggregate classification (germline): Pathogenic. Review status: criteria provided, multiple submitters, no conflicts (2 of 4 stars). 2 submissions from 2 submitters: Pathogenic (2). Last evaluated 2022-10-29.

Conditions:
CHM-related disorders.

Submissions (2):

Labcorp Genetics (formerly Invitae), Labcorp
Classification: Pathogenic. Last evaluated: 2022-10-29. Review status: criteria provided, single submitter. Criteria: Invitae Variant Classification Sherloc (09022015). Collection method: clinical testing. Allele origin: germline.
Comment: For these reasons, this variant has been classified as Pathogenic. ClinVar contains an entry for this variant (Variation ID: 866737). This variant has not been reported in the literature in individuals affected with CHM-related conditions. This variant is not present in population databases (gnomAD no frequency). This sequence change creates a premature translational stop signal (p.Leu365Argfs*52) in the CHM gene. It is expected to result in an absent or disrupted protein product. Loss-of-function variants in CHM are known to be pathogenic (PMID: 9067750, 23811034).

Blueprint Genetics
Classification: Pathogenic for CHM-related disorders. Last evaluated: 2022-04-23. Review status: criteria provided, single submitter. Criteria: ACMG Guidelines, 2015. Collection method: clinical testing. Allele origin: germline. Affected: yes. Observed: 2 variant alleles.

Literature cited by the submitters: PubMed 9067750 (cited by Labcorp Genetics (formerly Invitae), Labcorp); PubMed 23811034 (cited by Labcorp Genetics (formerly Invitae), Labcorp).

NM_000390.4(CHM):c.1094_1095del (p.Leu365fs)

Gene: CHM (CHM Rab escort protein; minus strand). Cytogenetic location: Xq21.2.
Variant type: Deletion.
Coding change: c.1094_1095del on transcript NM_000390.4 (MANE Select); coding-DNA positions 1094 to 1095, 2 bases deleted (TT; older notation c.1094_1095delTT).
Protein change: p.Leu365fs; shifts the reading frame from leucine 365.
Molecular consequence: frameshift variant.
Genome position (GRCh38, 1-based): chrX:85,956,224-85,956,225, AA deleted on the plus strand (TT on the coding strand, the reverse complement: CHM is on the minus strand). VCF-style (leftmost placement, unchanged base first): chrX-85956223-CAA-C. GRCh37 (hg19) VCF-style: chrX-85211228-CAA-C.
Other names: c.650_651del, p.Leu217fs (NM_001320959.1, NM_001362517.1, NM_001362518.2 and 1 more transcripts); short protein forms L365fs, L217fs.
Identifiers: ClinVar variation 866737 (VCV000866737.5), dbSNP rs1929999634, ClinGen allele CA916082499.